The following is an entry in ClinVar:

NM_000135.4(FANCA):c.2316+1G>T

Gene: FANCA (FA complementation group A; minus strand). Cytogenetic location: 16q24.3.
Variant type: single nucleotide variant.
Coding change: c.2316+1G>T on transcript NM_000135.4 (MANE Select); the canonical splice donor site of the intron after coding-DNA position 2316, G replaced by T.
Molecular consequence: splice donor variant.
Genome position (GRCh38, 1-based): chr16:89,770,165, C>A on the plus strand (G>T on the coding strand, the complement: FANCA is on the minus strand). VCF-style: chr16-89770165-C-A. GRCh37 (hg19) VCF-style: chr16-89836573-C-A.
Other names: c.2316+1G>T (NM_001286167.3).
Identifiers: ClinVar variation 974030 (VCV000974030.1), dbSNP rs2039275333, ClinGen allele CA397444895.
Genomic context (GRCh38, chr16:89,770,165, plus strand): 5'-AGTAGCAGCCTGGCCCTCAGAGTGGGCCCCCAAGGGTGGCCCCCATGAAGGAGAGCCTCA[C>A]CTGGTGACGGAGCAGCTGGCAGAGCCGGGTGAGCACTGCAGGGAGCACACGTCCACACAT-3'

ClinVar aggregate classification (germline): Pathogenic (0 of 4 stars; one submission).

Conditions:
Fanconi anemia complementation group A (FANCA). Also called: Fanconi anemia, group A; FANCA-Related Fanconi Anemia. Identifiers: Orphanet 84, MedGen C3469521, MONDO:0009215, OMIM 227650.

Submission:

Leiden Open Variation Database
Classification: Pathogenic for Fanconi anemia complementation group A. Last evaluated: 2020-02-28. Review status: no assertion criteria provided. Collection method: curation. Allele origin: germline. Affected: yes.
Comment: Curator: Arleen D. Auerbach. Submitter to LOVD: Arleen D. Auerbach.